The following is an entry in ClinVar:

ClinVar aggregate classification (germline): Uncertain significance. Review status: criteria provided, multiple submitters, no conflicts (2 of 4 stars). 5 submissions from 5 submitters: Uncertain significance (5). Last evaluated 2025-02-14.

Conditions:
RYR1-related disorder. Also called: RYR1-related condition; RYR1-related disorders. Identifiers: MedGen CN239331.
Malignant hyperthermia, susceptibility to, 1 (MHS1). Also called: RYR1-Related Malignant Hyperthermia Susceptibility; Malignant hyperthermia suceptibility 1; Anesthesia related hyperthermia; Malignant hyperpyrexia; Fulminating hyperpyrexia; Pharmacogenic myopathy. Identifiers: Orphanet 423, MedGen C2930980, MONDO:0007783, OMIM 145600.

Allele frequency attached by ClinVar (database versions not stated): gnomAD 0.00001 and 0.00002.
gnomAD v4.1: 12 of 1,610,696 alleles (0.00075%); highest among the groups gnomAD compares: Non-Finnish European, 0.001%; no homozygotes.

Submissions (5):

Women's Health and Genetics/Laboratory Corporation of America, LabCorp
Classification: Uncertain significance. Last evaluated: 2025-02-14. Review status: criteria provided, single submitter. Criteria: LabCorp Variant Classification Summary - May 2015. Collection method: clinical testing. Allele origin: germline.
Comment: Variant summary: RYR1 c.6247G>A (p.Glu2083Lys) results in a conservative amino acid change located in the Ryanodine receptor, junctional solenoid domain (IPR048581) of the encoded protein sequence. Five of five in-silico tools predict a benign effect of the variant on protein function. The variant was absent in 249326 control chromosomes. The available data on variant occurrences in the general population are insufficient to allow any conclusion about variant significance. To our knowledge, no occurrence of c.6247G>A in individuals affected with Congenital multicore myopathy with external ophthalmoplegia and no experimental evidence demonstrating its impact on protein function have been reported. ClinVar contains an entry for this variant (Variation ID: 1038444). Based on the evidence outlined above, the variant was classified as uncertain significance.

GeneDx
Classification: Uncertain significance. Last evaluated: 2024-09-30. Review status: criteria provided, single submitter. Criteria: GeneDx Variant Classification Process June 2021. Collection method: clinical testing. Allele origin: germline. Affected: yes.
Comment: Not observed at significant frequency in large population cohorts (gnomAD); In silico analysis indicates that this missense variant does not alter protein structure/function; Has not been previously published as pathogenic or benign to our knowledge

All of Us Research Program, National Institutes of Health
Classification: Uncertain significance for Malignant hyperthermia, susceptibility to, 1. Last evaluated: 2024-01-03. Review status: criteria provided, single submitter. Criteria: ACMG Guidelines, 2015. Collection method: clinical testing. Allele origin: germline. Inheritance: Autosomal dominant inheritance. Observed: 2 variant alleles, 2 heterozygotes.
Comment: This missense variant replaces glutamic acid with lysine at codon 2083 of the RYR1 protein. Computational prediction suggests that this variant may not impact protein structure and function (internally defined REVEL score threshold <= 0.5, PMID: 27666373). To our knowledge, functional studies have not been reported for this variant. This variant has not been reported in individuals affected with RYR1-related disorders in the literature. This variant has not been identified in the general population by the Genome Aggregation Database (gnomAD). The available evidence is insufficient to determine the role of this variant in disease conclusively. Therefore, this variant is classified as a Variant of Uncertain Significance.

This study involves interpretation of variants in research participants for the purpose of population health screening. Participant phenotype was not available at the time of variant classification. Additional details can be found in publication PMID: 35346344, PMCID: PMC8962531

Color Diagnostics, LLC DBA Color Health
Classification: Uncertain significance for Malignant hyperthermia, susceptibility to, 1. Last evaluated: 2023-11-07. Review status: criteria provided, single submitter. Criteria: ACMG Guidelines, 2015. Collection method: clinical testing. Allele origin: germline.
Comment: This missense variant replaces glutamic acid with lysine at codon 2083 of the RYR1 protein. Computational prediction suggests that this variant may not impact protein structure and function. To our knowledge, functional studies have not been reported for this variant. This variant has not been reported in individuals affected with RYR1-related disorders in the literature. This variant has not been identified in the general population by the Genome Aggregation Database (gnomAD). The available evidence is insufficient to determine the role of this variant in disease conclusively. Therefore, this variant is classified as a Variant of Uncertain Significance.

Labcorp Genetics (formerly Invitae), Labcorp
Classification: Uncertain significance for RYR1-related disorder. Last evaluated: 2020-08-27. Review status: criteria provided, single submitter. Criteria: Invitae Variant Classification Sherloc (09022015). Collection method: clinical testing. Allele origin: germline.
Comment: This sequence change replaces glutamic acid with lysine at codon 2083 of the RYR1 protein (p.Glu2083Lys). The glutamic acid residue is moderately conserved and there is a small physicochemical difference between glutamic acid and lysine. This variant is not present in population databases (ExAC no frequency). This variant has not been reported in the literature in individuals with RYR1-related conditions. Algorithms developed to predict the effect of missense changes on protein structure and function (SIFT, PolyPhen-2, Align-GVGD) all suggest that this variant is likely to be tolerated, but these predictions have not been confirmed by published functional studies and their clinical significance is uncertain. In summary, the available evidence is currently insufficient to determine the role of this variant in disease. Therefore, it has been classified as a Variant of Uncertain Significance.

NM_000540.3(RYR1):c.6247G>A (p.Glu2083Lys)

Gene: RYR1 (ryanodine receptor 1; plus strand). Cytogenetic location: 19q13.2.
Variant type: single nucleotide variant.
Coding change: c.6247G>A on transcript NM_000540.3 (MANE Select); coding-DNA position 6247, G replaced by A.
Protein change: p.Glu2083Lys; replaces glutamic acid 2083 with lysine.
Molecular consequence: missense variant.
Genome position (GRCh38, 1-based): chr19:38,492,609, G>A. VCF-style: chr19-38492609-G-A. GRCh37 (hg19) VCF-style: chr19-38983249-G-A.
Other names: c.6247G>A (NM_000540.2); c.6247G>A, p.Glu2083Lys (NM_001042723.2); short protein forms E2083K.
Identifiers: ClinVar variation 1038444 (VCV001038444.11), dbSNP rs1472353338, ClinGen allele CA405662554.